The following is an entry in ClinVar:

NM_001698.3(AUH):c.676C>T (p.Arg226Cys)

Gene: AUH (AU RNA binding methylglutaconyl-CoA hydratase; minus strand). Cytogenetic location: 9q22.31.
Variant type: single nucleotide variant.
Coding change: c.676C>T on transcript NM_001698.3 (MANE Select); coding-DNA position 676, C replaced by T.
Protein change: p.Arg226Cys; replaces arginine 226 with cysteine.
Molecular consequence: missense variant.
Genome position (GRCh38, 1-based): chr9:91,220,972, G>A on the plus strand (C>T on the coding strand, the complement: AUH is on the minus strand). VCF-style: chr9-91220972-G-A. GRCh37 (hg19) VCF-style: chr9-93983254-G-A.
Other names: p.R226C:CGC>TGC; c.589C>T, p.Arg197Cys (NM_001306190.2); c.349C>T, p.Arg117Cys (NM_001351431.2, NM_001351432.2, NM_001351433.2); short protein forms R226C, R117C, R197C.
Identifiers: ClinVar variation 214145 (VCV000214145.14), dbSNP rs148157596, ClinGen allele CA324469.

ClinVar aggregate classification (germline): Uncertain significance. Review status: criteria provided, multiple submitters, no conflicts (2 of 4 stars). 3 submissions from 3 submitters: Uncertain significance (3). Last evaluated 2024-01-25.

Conditions:
3-methylglutaconic aciduria type 1 (MGCA1). Identifiers: Orphanet 67046, MedGen C0342727, MONDO:0009610, OMIM 250950.

Allele frequency attached by ClinVar (database versions not stated): gnomAD exomes 0.00001 and 0.00002; gnomAD 0.00002; TOPMed 0.00002; ESP Exome Variant Server 0.00008; ExAC 0.00001.

Submissions (3):

GeneDx
Classification: Uncertain significance. Last evaluated: 2024-01-25. Review status: criteria provided, single submitter. Criteria: GeneDx Variant Classification Process June 2021. Collection method: clinical testing. Allele origin: germline. Affected: yes.
Comment: In silico analysis supports that this missense variant has a deleterious effect on protein structure/function; Not observed at significant frequency in large population cohorts (gnomAD); This variant is associated with the following publications: (PMID: 36341175, 38077954)

Revvity Omics, Revvity
Classification: Uncertain significance for 3-methylglutaconic aciduria type 1. Last evaluated: 2022-03-21. Review status: criteria provided, single submitter. Criteria: ACMG Guidelines, 2015. Collection method: clinical testing. Allele origin: germline.

Labcorp Genetics (formerly Invitae), Labcorp
Classification: Uncertain significance for 3-methylglutaconic aciduria type 1. Last evaluated: 2021-12-03. Review status: criteria provided, single submitter. Criteria: Invitae Variant Classification Sherloc (09022015). Collection method: clinical testing. Allele origin: germline.
Comment: This sequence change replaces arginine, which is basic and polar, with cysteine, which is neutral and slightly polar, at codon 226 of the AUH protein (p.Arg226Cys). This variant is present in population databases (rs148157596, gnomAD 0.002%). This variant has not been reported in the literature in individuals affected with AUH-related conditions. ClinVar contains an entry for this variant (Variation ID: 214145). Algorithms developed to predict the effect of missense changes on protein structure and function (SIFT, PolyPhen-2, Align-GVGD) all suggest that this variant is likely to be disruptive. In summary, the available evidence is currently insufficient to determine the role of this variant in disease. Therefore, it has been classified as a Variant of Uncertain Significance.